The following is an entry in ClinVar:

NM_004960.4(FUS):c.353A>G (p.Gln118Arg)

Gene: FUS (FUS RNA binding protein; plus strand). Cytogenetic location: 16p11.2.
Variant type: single nucleotide variant.
Coding change: c.353A>G on transcript NM_004960.4 (MANE Select); coding-DNA position 353, A replaced by G.
Protein change: p.Gln118Arg; replaces glutamine 118 with arginine.
Molecular consequence: missense variant. On other transcripts: non-coding transcript variant (1).
Genome position (GRCh38, 1-based): chr16:31,184,226, A>G. VCF-style: chr16-31184226-A-G. GRCh37 (hg19) VCF-style: chr16-31195547-A-G.
Other names: c.350A>G, p.Gln117Arg (NM_001170634.1); c.353A>G, p.Gln118Arg (NM_001170937.1); short protein forms Q118R, Q117R.
Identifiers: ClinVar variation 1732437 (VCV001732437.2), dbSNP rs2544253108, ClinGen allele CA395668239.

ClinVar aggregate classification (germline): Uncertain significance (1 of 4 stars; one submission).

Conditions:
Inborn genetic diseases. Identifiers: MedGen C0950123, MeSH D030342.

Submission:

Ambry Genetics
Classification: Uncertain significance for Inborn genetic diseases. Last evaluated: 2020-12-08. Review status: criteria provided, single submitter. Criteria: Ambry Variant Classification Scheme 2023. Collection method: clinical testing. Allele origin: germline.
Comment: The p.Q118R variant (also known as c.353A>G), located in coding exon 5 of the FUS gene, results from an A to G substitution at nucleotide position 353. The glutamine at codon 118 is replaced by arginine, an amino acid with highly similar properties. This amino acid position is well conserved in available vertebrate species. In addition, the in silico prediction for this alteration is inconclusive. Since supporting evidence is limited at this time, the clinical significance of this alteration remains unclear.